The following is an entry in ClinVar:

ClinVar aggregate classification (germline): Benign. Review status: criteria provided, multiple submitters, no conflicts (2 of 4 stars). 2 submissions from 2 submitters: Benign (2). Last evaluated 2018-01-13.

Conditions:
Hyperglycinuria. Also called: GLYCINURIA WITH OR WITHOUT OXALATE NEPHROLITHIASIS; GLYCINURIA WITH OR WITHOUT OXALATE UROLITHIASIS; IMINOGLYCINURIA TYPE II. Identifiers: MedGen C0543541, MONDO:0007677, OMIM 138500, HP:0003108.

Allele frequency attached by ClinVar (database versions not stated): 1000 Genomes Project 30x 0.24391; 1000 Genomes Project 0.24820; TOPMed 0.32713; gnomAD 0.34758 and 0.34963; gnomAD exomes 0.50000.
gnomAD v4.1: 52,989 of 152,136 alleles (35%); highest among the groups gnomAD compares: Non-Finnish European, 47%; 11,036 homozygotes.

Submissions (2):

Illumina Laboratory Services, Illumina
Classification: Benign for Hyperglycinuria. Last evaluated: 2018-01-13. Review status: criteria provided, single submitter. Criteria: ICSL Variant Classification Criteria 13 December 2019. Collection method: clinical testing. Allele origin: germline.
Comment: This variant was observed in the ICSL laboratory as part of a predisposition screen in an ostensibly healthy population. It had not been previously curated by ICSL or reported in the Human Gene Mutation Database (HGMD: prior to June 1st, 2018), and was therefore a candidate for classification through an automated scoring system. Utilizing variant allele frequency, disease prevalence and penetrance estimates, and inheritance mode, an automated score was calculated to assess if this variant is too frequent to cause the disease. Based on the score and internal cut-off values, a variant classified as benign is not then subjected to further curation. The score for this variant resulted in a classification of benign for this disease.

Breakthrough Genomics
Classification: Benign. Review status: criteria provided, single submitter. Criteria: ACMG Guidelines, 2015. Collection method: not provided. Allele origin: germline. Inheritance: Autosomal recessive inheritance. Affected: yes.

NM_020208.4(SLC6A20):c.*3519G>A

Gene: SLC6A20 (solute carrier family 6 member 20; minus strand). Cytogenetic location: 3p21.31.
Variant type: single nucleotide variant.
Coding change: c.*3519G>A on transcript NM_020208.4 (MANE Select); 3519 bases downstream of the stop codon, G replaced by A.
Molecular consequence: 3 prime UTR variant.
Genome position (GRCh38, 1-based): chr3:45,755,459, C>T on the plus strand (G>A on the coding strand, the complement: SLC6A20 is on the minus strand). VCF-style: chr3-45755459-C-T. GRCh37 (hg19) VCF-style: chr3-45796951-C-T.
Other names: c.*3519G>A (NM_022405.4).
Identifiers: ClinVar variation 345340 (VCV000345340.6), dbSNP rs2251109, ClinGen allele CA10616519.